The following is an entry in ClinVar:

NM_001136472.2(LITAF):c.6G>A (p.Ser2=)

Gene: LITAF (lipopolysaccharide induced TNF factor; minus strand). Cytogenetic location: 16p13.13.
Variant type: single nucleotide variant.
Coding change: c.6G>A on transcript NM_001136472.2 (MANE Select); coding-DNA position 6, G replaced by A.
Protein change: p.Ser2=; no amino-acid change (serine 2 retained).
Molecular consequence: synonymous variant. On other transcripts: non-coding transcript variant (1).
Genome position (GRCh38, 1-based): chr16:11,556,725, C>T on the plus strand (G>A on the coding strand, the complement: LITAF is on the minus strand). VCF-style: chr16-11556725-C-T. GRCh37 (hg19) VCF-style: chr16-11650581-C-T.
Other names: c.6G>A, p.Ser2= (NM_001136473.1, NM_004862.4).
Identifiers: ClinVar variation 216599 (VCV000216599.20), dbSNP rs147187481, ClinGen allele CA335941.

ClinVar aggregate classification (germline): Benign/Likely benign. Review status: criteria provided, multiple submitters, no conflicts (2 of 4 stars). 5 submissions from 5 submitters: Benign (1); Likely benign (4). Last evaluated 2026-02-27.

Conditions:
LITAF-related disorder. Also called: LITAF-related condition.
Inborn genetic diseases. Identifiers: MedGen C0950123, MeSH D030342.
Charcot-Marie-Tooth disease. Also called: Charcot-Marie-Tooth Hereditary Neuropathy; Charcot-Marie-Tooth Neuropathy. Identifiers: Orphanet 166, MedGen C0007959, MONDO:0015626.
Charcot-Marie-Tooth disease type 1C. Also called: Charcot-Marie-Tooth disease, type IC; CMT, SLOW NERVE CONDUCTION TYPE C; CHARCOT-MARIE-TOOTH DISEASE, DEMYELINATING, TYPE 1C; HMSN IC; CHARCOT-MARIE-TOOTH NEUROPATHY, TYPE 1C; NEUROPATHY, HEREDITARY MOTOR AND SENSORY, TYPE IC. Identifiers: Orphanet 101083, MedGen C0270913, MONDO:0010995, OMIM 601098.

Allele frequency attached by ClinVar (database versions not stated): gnomAD exomes 0.00013; ExAC 0.00018; ESP Exome Variant Server 0.00031; gnomAD 0.00048 and 0.00052; TOPMed 0.00048; 1000 Genomes Project 30x 0.00078; 1000 Genomes Project 0.00100.
gnomAD v4.1: 154 of 1,613,832 alleles (0.0095%); highest among the groups gnomAD compares: African/African-American, 0.15%; no homozygotes.

Submissions (6):

PreventionGenetics, part of Exact Sciences
Classification: Likely benign for LITAF-related condition. Last evaluated: 2026-02-27. Review status: criteria provided, single submitter. Criteria: ACMG Guidelines, 2015. Collection method: clinical testing. Allele origin: germline.
Comment: This variant is classified as likely benign based on ACMG/AMP sequence variant interpretation guidelines (Richards et al. 2015 PMID: 25741868, with internal and published modifications).

Labcorp Genetics (formerly Invitae), Labcorp
Classification: Benign for Charcot-Marie-Tooth disease type 1C. Last evaluated: 2025-11-24. Review status: criteria provided, single submitter. Criteria: Invitae Variant Classification Sherloc (09022015). Collection method: clinical testing. Allele origin: germline.

Ambry Genetics
Classification: Likely benign for Inborn genetic diseases. Last evaluated: 2019-07-11. Review status: criteria provided, single submitter. Criteria: Ambry Variant Classification Scheme 2023. Collection method: clinical testing. Allele origin: germline.

Illumina Laboratory Services, Illumina
Classification: Likely benign for Charcot-Marie-Tooth disease type 1C. Last evaluated: 2018-01-13. Review status: criteria provided, single submitter. Criteria: ICSL Variant Classification Criteria 13 December 2019. Collection method: clinical testing. Allele origin: germline.
Comment: This variant was observed in the ICSL laboratory as part of a predisposition screen in an ostensibly healthy population. It had not been previously curated by ICSL or reported in the Human Gene Mutation Database (HGMD: prior to June 1st, 2018), and was therefore a candidate for classification through an automated scoring system. Utilizing variant allele frequency, disease prevalence and penetrance estimates, and inheritance mode, an automated score was calculated to assess if this variant is too frequent to cause the disease. Based on the score and internal cut-off values, a variant classified as likely benign is not then subjected to further curation. The score for this variant resulted in a classification of likely benign for this disease.

Molecular Genetics Laboratory, London Health Sciences Centre
Classification: Likely benign for Charcot-Marie-Tooth disease. Review status: criteria provided, single submitter. Criteria: ACMG Guidelines, 2015. Collection method: clinical testing. Allele origin: germline. Affected: yes.

Dr. Peter K. Rogan Lab, Western University
No classification provided (evidence only). Condition: Clear cell carcinoma of kidney. Review status: no classification provided. Collection method: in vitro. Allele origin: not applicable. Functional consequence: skipped exon. Not counted in ClinVar's aggregate classification.